The following is an entry in ClinVar:

NM_000090.4(COL3A1):c.2860G>A (p.Gly954Arg)

Gene: COL3A1 (collagen type III alpha 1 chain; plus strand). Cytogenetic location: 2q32.2.
Variant type: single nucleotide variant.
Coding change: c.2860G>A on transcript NM_000090.4 (MANE Select); coding-DNA position 2860, G replaced by A.
Protein change: p.Gly954Arg; replaces glycine 954 with arginine.
Molecular consequence: missense variant.
Genome position (GRCh38, 1-based): chr2:189,004,293, G>A. VCF-style: chr2-189004293-G-A. GRCh37 (hg19) VCF-style: chr2-189869019-G-A.
Identifiers: ClinVar variation 101431 (VCV000101431.7), dbSNP rs587779674, ClinGen allele CA005755.
Genomic context (GRCh38, chr2:189,004,293, plus strand): 5'-CTAAGTCTTCATTATCTGTATTAGGGAGCTCCAGGCCCACTTGGGATTGCTGGGATCACT[G>A]GAGCACGGGGTCTTGCAGGACCACCAGGCATGCCAGGTCCTAGGGGAAGCCCTGGCCCTC-3'
Protein context (NP_000081.2, residues 944-964): PGPLGIAGIT[Gly954Arg]ARGLAGPPGM

ClinVar aggregate classification (germline): Likely pathogenic. Review status: criteria provided, single submitter (1 of 4 stars). 2 submissions from 2 submitters: Likely pathogenic (1). 1 of the submissions does not count toward it. Last evaluated 2022-10-20.

Conditions:
Ehlers-Danlos syndrome, type 4 (EDSVASC). Also called: Ehlers-Danlos syndrome vascular type; Ehlers Danlos syndrome, ecchymotic type; Ehlers Danlos syndrome, arterial type; Ehlers Danlos syndrome, Sack-Barabas type; Ehlers-Danlos Syndrome Type IV. Identifiers: Orphanet 286, MedGen C0268338, MONDO:0017314, OMIM 130050.

Submissions (2):

Labcorp Genetics (formerly Invitae), Labcorp
Classification: Likely pathogenic for Ehlers-Danlos syndrome, type 4. Last evaluated: 2022-10-20. Review status: criteria provided, single submitter. Criteria: Invitae Variant Classification Sherloc (09022015). Collection method: clinical testing. Allele origin: germline.
Comment: Advanced modeling of protein sequence and biophysical properties (such as structural, functional, and spatial information, amino acid conservation, physicochemical variation, residue mobility, and thermodynamic stability) performed at Invitae indicates that this missense variant is expected to disrupt COL3A1 protein function. This sequence change replaces glycine, which is neutral and non-polar, with arginine, which is basic and polar, at codon 954 of the COL3A1 protein (p.Gly954Arg). This variant is not present in population databases (gnomAD no frequency). This missense change has been observed in individual(s) with clinical features of autosomal dominant COL3A1-related conditions (PMID: 24922459; Invitae). ClinVar contains an entry for this variant (Variation ID: 101431). This variant disrupts the triple helix domain of COL3A1. Glycine residues within the Gly-Xaa-Yaa repeats of the triple helix domain are required for the structure and stability of fibrillar collagens (PMID: 7695699, 8218237, 19344236). In COL3A1, variants that affect these glycine residues are significantly enriched in individuals with disease (PMID: 24922459, 25758994) compared to the general population (ExAC). In summary, the currently available evidence indicates that the variant is pathogenic, but additional data are needed to prove that conclusively. Therefore, this variant has been classified as Likely Pathogenic.

Collagen Diagnostic Laboratory, University of Washington
Classification: Pathogenic for Ehlers-Danlos syndrome, type 4. Review status: no assertion criteria provided. Collection method: clinical testing. Allele origin: germline. Affected: yes. Not counted in ClinVar's aggregate classification.

Literature cited by the submitters: PubMed 24922459 (cited by Labcorp Genetics (formerly Invitae), Labcorp); PubMed 7695699 (cited by Labcorp Genetics (formerly Invitae), Labcorp); PubMed 8218237 (cited by Labcorp Genetics (formerly Invitae), Labcorp); PubMed 19344236 (cited by Labcorp Genetics (formerly Invitae), Labcorp); PubMed 25758994 (cited by Labcorp Genetics (formerly Invitae), Labcorp).